The following is an entry in ClinVar:

ClinVar aggregate classification (germline): Likely benign (1 of 4 stars; one submission).

Submission:

CeGaT Center for Human Genetics Tuebingen
Classification: Likely benign. Last evaluated: 2022-11-01. Review status: criteria provided, single submitter. Criteria: CeGaT Center For Human Genetics Tuebingen Variant Classification Criteria Version 2. Collection method: clinical testing. Allele origin: germline. Affected: yes. Observed: 1 variant allele.
Comment: PPP2R1A: PM2:Supporting, BP4, BP7

NM_014225.6(PPP2R1A):c.1236T>C (p.Ala412=)

Gene: PPP2R1A (protein phosphatase 2 scaffold subunit Aalpha; plus strand). Cytogenetic location: 19q13.41.
Variant type: single nucleotide variant.
Coding change: c.1236T>C on transcript NM_014225.6 (MANE Select); coding-DNA position 1236, T replaced by C.
Protein change: p.Ala412=; no amino-acid change (alanine 412 retained).
Molecular consequence: synonymous variant. On other transcripts: non-coding transcript variant (1).
Genome position (GRCh38, 1-based): chr19:52,219,798, T>C. VCF-style: chr19-52219798-T-C. GRCh37 (hg19) VCF-style: chr19-52723051-T-C.
Other names: c.699T>C, p.Ala233= (NM_001363656.2).
Identifiers: ClinVar variation 2650386 (VCV002650386.24), dbSNP rs777978846, ClinGen allele CA508635614.
Genomic context (GRCh38, chr19:52,219,798, plus strand): 5'-CGAGGTGATTGGCATCCGGCAGCTGTCCCAGTCCCTGCTCCCTGCCATTGTGGAGCTGGC[T>C]GAGGACGCCAAGTGGCGGGTGCGGCTGGCCATCATTGAGTACATGCCCCTCCTGGCTGGA-3'
Protein context (NP_055040.2, residues 402-422): QSLLPAIVEL[Ala412=]EDAKWRVRLA